The following is an entry in ClinVar:

ClinVar aggregate classification (germline): Uncertain significance. Review status: criteria provided, multiple submitters, no conflicts (2 of 4 stars). 2 submissions from 2 submitters: Uncertain significance (2). Last evaluated 2024-10-25.

gnomAD v4.1: 81 of 1,612,522 alleles (0.005%); highest among the groups gnomAD compares: Non-Finnish European, 0.0031%; no homozygotes.

Submissions (2):

Blueprint Genetics
Classification: Uncertain significance. Last evaluated: 2024-10-25. Review status: criteria provided, single submitter. Criteria: ACMG Guidelines, 2015. Collection method: clinical testing. Allele origin: germline.

Labcorp Genetics (formerly Invitae), Labcorp
Classification: Uncertain significance. Last evaluated: 2023-11-27. Review status: criteria provided, single submitter. Criteria: Invitae Variant Classification Sherloc (09022015). Collection method: clinical testing. Allele origin: germline.
Comment: This sequence change replaces arginine, which is basic and polar, with tryptophan, which is neutral and slightly polar, at codon 60 of the CFAP410 protein (p.Arg60Trp). This variant is present in population databases (rs200049699, gnomAD 0.1%). This variant has not been reported in the literature in individuals affected with CFAP410-related conditions. ClinVar contains an entry for this variant (Variation ID: 1467342). Advanced modeling of protein sequence and biophysical properties (such as structural, functional, and spatial information, amino acid conservation, physicochemical variation, residue mobility, and thermodynamic stability) performed at Invitae indicates that this missense variant is not expected to disrupt CFAP410 protein function with a negative predictive value of 80%. In summary, the available evidence is currently insufficient to determine the role of this variant in disease. Therefore, it has been classified as a Variant of Uncertain Significance.

NM_004928.3(CFAP410):c.178C>T (p.Arg60Trp)

Gene: CFAP410 (cilia and flagella associated protein 410; minus strand). Cytogenetic location: 21q22.3.
Variant type: single nucleotide variant.
Coding change: c.178C>T on transcript NM_004928.3 (MANE Select); coding-DNA position 178, C replaced by T.
Protein change: p.Arg60Trp; replaces arginine 60 with tryptophan.
Molecular consequence: missense variant.
Genome position (GRCh38, 1-based): chr21:44,333,228, G>A on the plus strand (C>T on the coding strand, the complement: CFAP410 is on the minus strand). VCF-style: chr21-44333228-G-A. GRCh37 (hg19) VCF-style: chr21-45753111-G-A.
Other names: c.178C>T, p.Arg60Trp (NM_001271440.2, NM_001271441.2); c.55C>T, p.Arg19Trp (NM_001271442.1); short protein forms R60W, R19W.
Identifiers: ClinVar variation 1467342 (VCV001467342.8), dbSNP rs200049699, ClinGen allele CA10053771.